The following is an entry in ClinVar:

ClinVar aggregate classification (germline): Uncertain significance. Review status: criteria provided, multiple submitters, no conflicts (2 of 4 stars). 2 submissions from 2 submitters: Uncertain significance (2). Last evaluated 2023-10-28.

Conditions:
Hereditary cancer-predisposing syndrome. Also called: Hereditary neoplastic syndrome; Tumor predisposition; Neoplastic Syndromes, Hereditary; Hereditary Cancer Syndrome. Identifiers: Orphanet 140162, MedGen C0027672, MeSH D009386, MONDO:0015356.
Familial adenomatous polyposis 1 (FAP1). Also called: FAMILIAL ADENOMATOUS POLYPOSIS 1, ATTENUATED; POLYPOSIS, ADENOMATOUS INTESTINAL. Identifiers: MedGen C2713442, MONDO:0021056, OMIM 175100. Disease mechanism: loss of function.

Submissions (2):

Ambry Genetics
Classification: Uncertain significance for Hereditary cancer-predisposing syndrome. Last evaluated: 2023-10-28. Review status: criteria provided, single submitter. Criteria: Ambry Variant Classification Scheme 2023. Collection method: clinical testing. Allele origin: germline.
Comment: The p.F2462S variant (also known as c.7385T>C), located in coding exon 15 of the APC gene, results from a T to C substitution at nucleotide position 7385. The phenylalanine at codon 2462 is replaced by serine, an amino acid with highly dissimilar properties. This amino acid position is conserved. In addition, in silico predictors for this gene do not accurately predict pathogenicity. Since supporting evidence is limited at this time, the clinical significance of this alteration remains unclear.

Labcorp Genetics (formerly Invitae), Labcorp
Classification: Uncertain significance for Familial adenomatous polyposis 1. Last evaluated: 2023-05-08. Review status: criteria provided, single submitter. Criteria: Invitae Variant Classification Sherloc (09022015). Collection method: clinical testing. Allele origin: germline.
Comment: Advanced modeling of protein sequence and biophysical properties (such as structural, functional, and spatial information, amino acid conservation, physicochemical variation, residue mobility, and thermodynamic stability) performed at Invitae indicates that this missense variant is not expected to disrupt APC protein function. This sequence change replaces phenylalanine, which is neutral and non-polar, with serine, which is neutral and polar, at codon 2462 of the APC protein (p.Phe2462Ser). This variant is not present in population databases (gnomAD no frequency). This variant has not been reported in the literature in individuals affected with APC-related conditions. ClinVar contains an entry for this variant (Variation ID: 1345335). In summary, the available evidence is currently insufficient to determine the role of this variant in disease. Therefore, it has been classified as a Variant of Uncertain Significance.

NM_000038.6(APC):c.7385T>C (p.Phe2462Ser)

Gene: APC (APC regulator of Wnt signaling pathway; plus strand). Cytogenetic location: 5q22.2.
Variant type: single nucleotide variant.
Coding change: c.7385T>C on transcript NM_000038.6 (MANE Select); coding-DNA position 7385, T replaced by C.
Protein change: p.Phe2462Ser; replaces phenylalanine 2462 with serine.
Molecular consequence: missense variant.
Genome position (GRCh38, 1-based): chr5:112,842,979, T>C. VCF-style: chr5-112842979-T-C. GRCh37 (hg19) VCF-style: chr5-112178676-T-C.
Other names: c.7385T>C, p.Phe2462Ser (NM_001127510.3, NM_001354895.2); c.7331T>C, p.Phe2444Ser (NM_001127511.3); c.7439T>C, p.Phe2480Ser (NM_001354896.2); c.7415T>C, p.Phe2472Ser (NM_001354897.2); c.7310T>C, p.Phe2437Ser (NM_001354898.2); c.7301T>C, p.Phe2434Ser (NM_001354899.2); c.7262T>C, p.Phe2421Ser (NM_001354900.2); c.7208T>C, p.Phe2403Ser (NM_001354901.2); and 6 more; short protein forms F2403S, F2421S, F2179S, F2434S, F2462S, F2480S, F2302S, F2361S.
Identifiers: ClinVar variation 1345335 (VCV001345335.9), dbSNP rs2149985808, ClinGen allele CA16037417.